The following is an entry in ClinVar:

ClinVar aggregate classification (germline): Conflicting classifications of pathogenicity. Review status: criteria provided, conflicting classifications (1 of 4 stars). 5 submissions from 5 submitters: Likely pathogenic (1); Uncertain significance (2). 2 of the submissions do not count toward it. Last evaluated 2024-09-12.

Conditions:
Charcot-Marie-Tooth disease type 2. Also called: Charcot-Marie-Tooth type 2. Identifiers: Orphanet 64746, MedGen C0270914, MONDO:0018993.
Charcot-Marie-Tooth disease, axonal, autosomal recessive, type 2a2b;. Also called: Charcot-Marie-Tooth disease, axonal, autosomal recessive, type 2A2B; Charcot-Marie-Tooth disease, axonal, type 2A2B. Identifiers: MedGen C4310725, MONDO:0014906, OMIM 617087.
Charcot-Marie-Tooth disease. Also called: Charcot-Marie-Tooth Neuropathy; Charcot-Marie-Tooth Hereditary Neuropathy. Identifiers: Orphanet 166, MedGen C0007959, MONDO:0015626.

Submissions (5):

Labcorp Genetics (formerly Invitae), Labcorp
Classification: Likely pathogenic for Charcot-Marie-Tooth disease type 2. Last evaluated: 2024-09-12. Review status: criteria provided, single submitter. Criteria: Invitae Variant Classification Sherloc (09022015). Collection method: clinical testing. Allele origin: germline.
Comment: This variant, c.113_115del, results in the deletion of 1 amino acid(s) of the MFN2 protein (p.Lys38del), but otherwise preserves the integrity of the reading frame. This variant is not present in population databases (gnomAD no frequency). This variant has been observed in individual(s) with Charcot-Marie-Tooth disease (PMID: 21715711). In at least one individual the data is consistent with being in trans (on the opposite chromosome) from a pathogenic variant. It has also been observed to segregate with disease in related individuals. ClinVar contains an entry for this variant (Variation ID: 30734). In summary, the currently available evidence indicates that the variant is pathogenic, but additional data are needed to prove that conclusively. Therefore, this variant has been classified as Likely Pathogenic.

GeneDx
Classification: Uncertain significance. Last evaluated: 2022-04-08. Review status: criteria provided, single submitter. Criteria: GeneDx Variant Classification Process June 2021. Collection method: clinical testing. Allele origin: germline. Affected: yes.
Comment: Identified with a second variant with unknown segregation in an individual with severe onset axonal neuropathy in the published literature (Polke et al., 2011); In-frame deletion of one amino acids in a non-repeat region; In silico analysis supports a deleterious effect on protein structure/function; Not observed at significant frequency in large population cohorts (gnomAD); This variant is associated with the following publications: (PMID: 24819634, 21715711)

Athena Diagnostics
Classification: Uncertain significance. Last evaluated: 2020-05-05. Review status: criteria provided, single submitter. Criteria: Athena Diagnostics Criteria. Collection method: clinical testing. Allele origin: unknown.

OMIM
Classification: Pathogenic for CHARCOT-MARIE-TOOTH DISEASE, AXONAL, TYPE 2A2B, AUTOSOMAL RECESSIVE. Last evaluated: 2011-07-12. Review status: no assertion criteria provided. Collection method: literature only. Allele origin: germline. Not counted in ClinVar's aggregate classification.

Inherited Neuropathy Consortium
Classification: Uncertain significance for Charcot-Marie-Tooth disease. Review status: no assertion criteria provided. Collection method: literature only. Allele origin: germline. Affected: yes. Not counted in ClinVar's aggregate classification.

Literature cited by the submitters: PubMed 21715711 (cited by 4 submitters); PubMed 24819634 (cited by Athena Diagnostics); PubMed 21715704 (cited by Athena Diagnostics); PubMed 26306937 (cited by Athena Diagnostics); PubMed 27154191 (cited by Athena Diagnostics).

NM_014874.4(MFN2):c.107AGA[2] (p.Lys38del)

Gene: MFN2 (mitofusin 2; plus strand). Cytogenetic location: 1p36.22.
Variant type: Microsatellite.
Coding change: c.107AGA[2] on transcript NM_014874.4 (MANE Select); two copies in a row of the 3-base unit AGA starting at c.107; the reference has three copies in a row; one copy, 3 bases deleted.
Protein change: p.Lys38del; deletes lysine 38.
Molecular consequence: inframe deletion.
Genome position (GRCh38, 1-based): chr1:11,989,281-11,989,283, AGA deleted; deleting any 3 consecutive bases within chr1:11,989,274-11,989,283 gives the same sequence; the position shown is the placement nearest the transcript's 3' end. VCF-style (leftmost placement, unchanged base first): chr1-11989273-CAAG-C. GRCh37 (hg19) VCF-style: chr1-12049330-CAAG-C.
Other names: c.113_115delAGA (NM_014874.3); c.107AGA[2], p.Lys38del (NM_001127660.2); short protein forms K38del.
Identifiers: ClinVar variation 30734 (VCV000030734.8), dbSNP rs1478175861, ClinGen allele CA886270782.